The following is an entry in ClinVar:

NM_001031689.3(PLAA):c.282A>G (p.Ile94Met)

Gene: PLAA (phospholipase A2 activating protein; minus strand). Cytogenetic location: 9p21.2.
Variant type: single nucleotide variant.
Coding change: c.282A>G on transcript NM_001031689.3 (MANE Select); coding-DNA position 282, A replaced by G.
Protein change: p.Ile94Met; replaces isoleucine 94 with methionine.
Molecular consequence: missense variant.
Genome position (GRCh38, 1-based): chr9:26,935,074, T>C on the plus strand (A>G on the coding strand, the complement: PLAA is on the minus strand). VCF-style: chr9-26935074-T-C. GRCh37 (hg19) VCF-style: chr9-26935072-T-C.
Other names: c.282A>G, p.Ile94Met (NM_001321546.2); short protein forms I94M.
Identifiers: ClinVar variation 2095200 (VCV002095200.4), dbSNP rs2489226442, ClinGen allele CA373111867.

ClinVar aggregate classification (germline): Uncertain significance (1 of 4 stars; one submission).

Allele frequency attached by ClinVar (database versions not stated): gnomAD exomes below 0.00001.
gnomAD v4.1: 1 of 1,610,428 alleles (0.000062%); highest among the groups gnomAD compares: Non-Finnish European, 0.000085%; no homozygotes.

Submission:

Labcorp Genetics (formerly Invitae), Labcorp
Classification: Uncertain significance. Last evaluated: 2022-11-01. Review status: criteria provided, single submitter. Criteria: Invitae Variant Classification Sherloc (09022015). Collection method: clinical testing. Allele origin: germline.
Comment: In summary, the available evidence is currently insufficient to determine the role of this variant in disease. Therefore, it has been classified as a Variant of Uncertain Significance. Advanced modeling of protein sequence and biophysical properties (such as structural, functional, and spatial information, amino acid conservation, physicochemical variation, residue mobility, and thermodynamic stability) performed at Invitae indicates that this missense variant is expected to disrupt PLAA protein function. This variant has not been reported in the literature in individuals affected with PLAA-related conditions. This variant is not present in population databases (gnomAD no frequency). This sequence change replaces isoleucine, which is neutral and non-polar, with methionine, which is neutral and non-polar, at codon 94 of the PLAA protein (p.Ile94Met).